The following continues an entry in ClinVar:

NM_001276345.2(TNNT2):c.762G>T (p.Glu254Asp)

Gene: TNNT2. ClinVar aggregate classification (germline): Conflicting classifications of pathogenicity. Uncertain significance (12); Likely benign (2).

Submissions 8 to 18 of 18:

CHEO Genetics Diagnostic Laboratory, Children's Hospital of Eastern Ontario
Classification: Uncertain significance for Cardiomyopathy. Last evaluated: 2023-05-26. Review status: criteria provided, single submitter. Criteria: ACMG Guidelines, 2015. Collection method: clinical testing. Allele origin: germline.

Clinical Genomics Laboratory, Stanford Medicine
Classification: Uncertain significance for Hypertrophic cardiomyopathy 2; Dilated cardiomyopathy 1D. Last evaluated: 2022-08-15. Review status: criteria provided, single submitter. Criteria: ACMG Guidelines, 2015. Collection method: clinical testing. Allele origin: germline. Affected: yes. Observed: 1 variant allele, 1 heterozygote.
Comment: The p.Glu244Asp variant in the TNNT2 gene has been previously reported in 2 individuals with HCM, 2 individuals with DCM (1 who also had a variant in TPM1), and 1 individual with ARVC (PMID: 19412328; PMID: 21483645; PMID: 30847666; PMID: 29121657; PMID: 7898523). This variant has also been identified in 57/129,180 European (non-Finnish) chromosomes by the Genome Aggregation Database. This allele frequency is greater than would be expected to be disease-causing for cardiomyopathies. This variant is present in ClinVar (Accession: VCV000043667.44). Functional studies of this variant are conflicting. While some assays repeatedly demonstrated that the p.Glu244Asp variant increased the maximum level of ATPase activity but did not change the Ca(2+) sensitivity, the physiological relevance of this functional change is unclear (PMID: 14722098; PMID: 20031601; PMID: 10467159; PMID: 10497196; PMID: 10085122). Additionally, assays in induced pluripotent stem cell-differentiated cardiomyocytes (iPSC-CMs) show that p.Glu244Asp is indistinguishable from wild-type (PMID: 30565988; PMID: 33025817). Computational tools predict that this variant is deleterious; however, the accuracy of in silico algorithms is limited. These data were assessed using the ACMG/AMP variant interpretation guidelines. In summary, the significance of the p.Glu244Asp variant is uncertain due to conflicting information. Additional information is needed to resolve the significance of this variant. [ACMG evidence codes used: PP3; BS1]

Clinical Genetics Laboratory, Skane University Hospital Lund
Classification: Uncertain significance. Last evaluated: 2022-05-27. Review status: criteria provided, single submitter. Criteria: ACMG Guidelines, 2015. Collection method: clinical testing. Allele origin: germline. Affected: yes.

Victorian Clinical Genetics Services, Murdoch Childrens Research Institute
Classification: Uncertain significance for Dilated cardiomyopathy 1D. Last evaluated: 2022-02-02. Review status: criteria provided, single submitter. Criteria: ACMG Guidelines, 2015. Collection method: clinical testing. Allele origin: germline. Inheritance: Autosomal dominant inheritance. Affected: yes.
Comment: Based on the classification scheme VCGS_Germline_v1.3.4, this variant is classified as VUS-3B. Following criteria are met: 0105 - The mechanism of disease for this gene is not clearly established. Functional studies have suggested loss-of-function, gain-of-function and dominant-negative mechanisms based on calcium sensitivity, contractibility and mouse models (PMID: 18612386, 32098556, 33025817). (I) 0107 - This gene is associated with autosomal dominant disease. (I) 0200 - Variant is predicted to result in a missense amino acid change from glutamic acid to aspartic acid. (I) 0251 - This variant is heterozygous. (I) 0302 - Variant is present in gnomAD (v2) <0.001 for a dominant condition (58 heterozygotes, 0 homozygotes). (SP) 0502 - Missense variant with conflicting in silico predictions and uninformative conservation. (I) 0600 - Variant is located in the annotated troponin domain (DECIPHER). (I) 0705 - No comparable missense variants have previous evidence for pathogenicity. (I) 0809 - Previous evidence of pathogenicity for this variant is inconclusive. This variant has been reported once as likely benign, and many times as a VUS, in several individuals with hypertrophic cardiomyopathy, dilated cardiomyopathy and arrhythmogenic right ventricular cardiomyopathy (ClinVar, LOVD, PMID: 30847666). In some of these individuals, additional variants in cardiac genes were found. (I) 1002 - This variant has moderate functional evidence supporting abnormal protein function. Transfected bovine and porcine fibres have been shown to result in a slight increase in maximum ATPase activity, and significant increase in maximum force. The biological significance of these findings is unclear (PMID: 19275886, PMID: 14722098). (SP) 1208 - Inheritance information for this variant is not currently available in this individual. (I) Legend: (SP) - Supporting pathogenic, (I) - Information, (SB) - Supporting benign

Ambry Genetics
Classification: Likely benign for Cardiovascular phenotype. Last evaluated: 2021-05-07. Review status: criteria provided, single submitter. Criteria: Ambry Variant Classification Scheme 2023. Collection method: clinical testing. Allele origin: germline.

Laboratory for Molecular Medicine, Mass General Brigham Personalized Medicine
Classification: Uncertain significance. Last evaluated: 2019-04-04. Review status: criteria provided, single submitter. Criteria: ACMG Guidelines, 2015. Collection method: clinical testing. Allele origin: germline.
Comment: This variant has been identified in 3 individuals with cardiomyopathy tested by our laboratory, one of whom carries a second likely disease-causing variant and had an early onset of disease, and a second who had an additional TNNT2 variant of uncertain significance and an early onset of disease. This variant has been identified in 0.06% (40/66740) of European chromosomes by the Exome Aggregation Consortium (ExAC; dbSNP rs45466197). Although this variant has been seen in the general population, its frequency is not high enough to rule out a pathogenic role. Computational analyses (biochemical amino acid properties, conservation, AlignGVGD, PolyPhen2, and SIFT) do not provide strong support for or against an impact to the protein. In vitro studies have shown that the p.Glu244Asp variant may impact protein function (Watkins 1995, Yanaga 1995, Harada 2004, Matsumoto 2009), but it has not been demonstrated whether this can result in disease. The presence of a variant in HCM and DCM probands raises suspicion about its clinical significance as the two cardiomyopathies are caused by different defects at the cellular level. Given the early onset of disease in all individuals carrying this variant in addition to a second variant, it is possible that it is exacerbating disease severity in these cases. In summary, additional data is need to interpret the pathogenicity of this variant for causing primary disease as well as whether it may play a role in modifying the severity of disease due to other causes.

CSER _CC_NCGL, University of Washington
Classification: Uncertain significance for Cardiomyopathy, hypertrophic. Last evaluated: 2014-06-01. Review status: criteria provided, single submitter. Criteria: Amendola et al. (Genome Res. 2015). Collection method: research. Allele origin: germline. Inheritance: Autosomal dominant inheritance. Study: ESP 6500 variant annotation.
Comment: Low GERP score may suggest that this variant may belong in a lower pathogenicity class

Variants classified for the Actionable exomic incidental findings in 6503 participants: challenges of variant classification manuscript

Knight Diagnostic Laboratories, Oregon Health and Sciences University
Classification: Uncertain significance for Dilated cardiomyopathy 1D. Last evaluated: 2015-12-19. Review status: no assertion criteria provided. Criteria: ACMG Guidelines, 2015. Collection method: clinical testing. Allele origin: germline. Affected: no. Study: CSER-NextGen. Not counted in ClinVar's aggregate classification.

Knight Diagnostic Laboratories, Oregon Health and Sciences University
Classification: Uncertain significance for Hypertrophic cardiomyopathy 2. Last evaluated: 2015-12-19. Review status: no assertion criteria provided. Criteria: ACMG Guidelines, 2015. Collection method: clinical testing. Allele origin: germline. Affected: no. Study: CSER-NextGen. Not counted in ClinVar's aggregate classification.

Clinical Genetics, Academic Medical Center
Classification: Uncertain significance. Review status: no assertion criteria provided. Collection method: clinical testing. Allele origin: germline. Affected: yes. Study: VKGL Data-share Consensus. Not counted in ClinVar's aggregate classification.

Diagnostic Laboratory, Department of Genetics, University Medical Center Groningen
Classification: Uncertain significance. Review status: no assertion criteria provided. Collection method: clinical testing. Allele origin: germline. Affected: yes. Study: VKGL Data-share Consensus. Not counted in ClinVar's aggregate classification.

Literature cited by the submitters: PubMed 7898523 (cited by 7 submitters); PubMed 19412328 (cited by 7 submitters); PubMed 29121657 (cited by 4 submitters); PubMed 30565988 (cited by 6 submitters); PubMed 37652022 (cited by Labcorp Genetics (formerly Invitae), Labcorp and Women's Health and Genetics/Laboratory Corporation of America, LabCorp); PubMed 10085122 (cited by 7 submitters); PubMed 10467159 (cited by 6 submitters); PubMed 10497196 (cited by 3 submitters); PubMed 14722098 (cited by 8 submitters); PubMed 19275886 (cited by 5 submitters); PubMed 25637381 (cited by Women's Health and Genetics/Laboratory Corporation of America, LabCorp and Ambry Genetics); PubMed 27493864 (cited by Women's Health and Genetics/Laboratory Corporation of America, LabCorp and Ambry Genetics); PubMed 21483645 (cited by 6 submitters); PubMed 20031601 (cited by 6 submitters); PubMed 33025817 (cited by 3 submitters); PubMed 35629155 (cited by Women's Health and Genetics/Laboratory Corporation of America, LabCorp); PubMed 36129056 (cited by Women's Health and Genetics/Laboratory Corporation of America, LabCorp); PubMed 19293840 (cited by All of Us Research Program, National Institutes of Health and Color Diagnostics, LLC DBA Color Health); PubMed 30847666 (cited by 5 submitters); PubMed 18612386 (cited by Victorian Clinical Genetics Services, Murdoch Childrens Research Institute); PubMed 32098556 (cited by Victorian Clinical Genetics Services, Murdoch Childrens Research Institute); PubMed 20215591 (cited by Ambry Genetics and Laboratory for Molecular Medicine, Mass General Brigham Personalized Medicine).